The following is an entry in ClinVar:

ClinVar aggregate classification (germline): Likely pathogenic (1 of 4 stars; one submission).

Submission:

Genetic Services Laboratory, University of Chicago
Classification: Likely pathogenic. Last evaluated: 2019-12-24. Review status: criteria provided, single submitter. Criteria: ACMG Guidelines, 2015. Collection method: clinical testing. Allele origin: germline. Affected: yes.
Comment: This change does not appear to have been previously described in patients with TERC-related disorders and has not been described in population databases (gnomAD, ExAC). A different variant affecting the same nucleotide, n.-58C>G, has been described in a patient with aplastic anemia, as well as the patient's sister with hypocellular bone marrow and nephew with aplastic anemia (PMID: 22323451). The n.58 position is located at the beginning of a CCAAT box in the promoter region of the TERC gene. Functional analysis of the n.-58C>G change suggested that interruption of the CCAAT box reduced TERC levels and reduced telomerase activity. The presence of the above sequence change in a symptomatic individual is indicative of this sequence change being a likely pathogenic sequence change.

NR_001566.1(TERC):n.-58C>T

Genes: TERC (telomerase RNA component; minus strand), LOC110806306 (telomerase RNA component (TERC) promoter; plus strand). Cytogenetic location: 3q26.2.
Variant type: single nucleotide variant.
Genome position: GRCh38 VCF-style: chr3-169765118-G-A. GRCh37 (hg19) VCF-style: chr3-169482906-G-A.
Identifiers: ClinVar variation 1338486 (VCV001338486.4), dbSNP rs2108183554, ClinGen allele CA2573052112.